The following is an entry in ClinVar:

NM_206933.4(USH2A):c.11473del (p.His3825fs)

Gene: USH2A (usherin; minus strand). Cytogenetic location: 1q41.
Variant type: Deletion.
Coding change: c.11473del on transcript NM_206933.4 (MANE Select); coding-DNA position 11473, one base deleted (C; older notation c.11473delC).
Protein change: p.His3825fs; shifts the reading frame from histidine 3825.
Molecular consequence: frameshift variant.
Genome position (GRCh38, 1-based): chr1:215,743,252, G deleted on the plus strand (C on the coding strand, the reverse complement: USH2A is on the minus strand). VCF-style (leftmost placement, unchanged base first): chr1-215743251-TG-T. GRCh37 (hg19) VCF-style: chr1-215916593-TG-T.
Other names: short protein forms H3825fs.
Identifiers: ClinVar variation 817630 (VCV000817630.38), dbSNP rs774677256, ClinGen allele CA1393700.
Genomic context (GRCh38, chr1:215,743,251, plus strand): 5'-TGTATCCTTATCTCATACTGTGTGAATGGAGTCAAATTTTCCAGAAGGGTGGATTGATGA[TG>T]ACCAACGGAGAAGGCCAGAGGTGTTACACTTCCATCATTGAGTAAGACATTGTACTCCAC-3'

ClinVar aggregate classification (germline): Pathogenic/Likely pathogenic. Review status: criteria provided, multiple submitters, no conflicts (2 of 4 stars). 9 submissions from 9 submitters: Pathogenic (5); Likely pathogenic (4). Last evaluated 2025-07-31.

Conditions:
USH2A-related disorder. Also called: USH2A-related disorders; USH2A-related condition. Identifiers: MedGen CN239332.
Retinitis pigmentosa 39 (RP39). Identifiers: Orphanet 791, MedGen C3151138, MONDO:0013436, OMIM 613809.
Usher syndrome type 2A. Also called: USHER SYNDROME, TYPE IIA; RETINAL DISEASE IN USHER SYNDROME TYPE IIA, MODIFIER OF. Identifiers: Orphanet 231178, Orphanet 886, MedGen C1848634, MONDO:0010169, OMIM 276901.
Usher syndrome. Also called: Usher's syndrome; Usher Syndromes. Identifiers: Orphanet 886, MedGen CN469326, MeSH D052245, MONDO:0019501. Disease mechanism: loss of function.

Allele frequency attached by ClinVar (database versions not stated): ExAC 0.00001; gnomAD exomes 0.00001 and 0.00002.

Submissions (9):

Natera, Inc.
Classification: Likely pathogenic for Usher syndrome type 2A. Last evaluated: 2025-07-31. Review status: criteria provided, single submitter. Criteria: Natera Variant Classification Schema (03/2026). Collection method: clinical testing. Allele origin: germline.
Comment: The c.11473delC variant in USH2A is a frameshift variant predicted to shift the reading frame beginning at codon 3825 and leads to a stop codon 10 codons downstream. This variant is expected to result in nonsense mediated decay, truncation, or a dysfunctional protein product. This variant is rare in the general population with a frequency below the threshold expected for the associated phenotype(s). Given the available evidence, this variant is classified as Likely Pathogenic.

Fulgent Genetics
Classification: Pathogenic for Usher syndrome type 2A; Retinitis pigmentosa 39. Last evaluated: 2024-06-20. Review status: criteria provided, single submitter. Criteria: ACMG Guidelines, 2015. Collection method: clinical testing. Allele origin: germline.

Blueprint Genetics
Classification: Pathogenic for USH2A-related disorders. Last evaluated: 2024-02-19. Review status: criteria provided, single submitter. Criteria: ACMG Guidelines, 2015. Collection method: clinical testing. Allele origin: germline. Affected: yes. Observed: 1 variant allele.

Baylor Genetics
Classification: Pathogenic for Retinitis pigmentosa 39. Last evaluated: 2023-11-23. Review status: criteria provided, single submitter. Criteria: ACMG Guidelines, 2015. Collection method: clinical testing. Allele origin: unknown.

Labcorp Genetics (formerly Invitae), Labcorp
Classification: Pathogenic. Last evaluated: 2023-11-20. Review status: criteria provided, single submitter. Criteria: Invitae Variant Classification Sherloc (09022015). Collection method: clinical testing. Allele origin: germline.
Comment: This sequence change creates a premature translational stop signal (p.His3825Ilefs*10) in the USH2A gene. It is expected to result in an absent or disrupted protein product. Loss-of-function variants in USH2A are known to be pathogenic (PMID: 10729113, 10909849, 20507924, 25649381). This variant is present in population databases (rs774677256, gnomAD 0.01%), including at least one homozygous and/or hemizygous individual. This premature translational stop signal has been observed in individual(s) with inherited retinal degeneration (PMID: 26352687). ClinVar contains an entry for this variant (Variation ID: 817630). For these reasons, this variant has been classified as Pathogenic.

Genome-Nilou Lab
Classification: Likely pathogenic for Usher syndrome type 2A. Last evaluated: 2023-11-04. Review status: criteria provided, single submitter. Criteria: ACMG Guidelines, 2015. Collection method: clinical testing. Allele origin: germline. Affected: no.

SN ONGC Dept of Genetics and Molecular biology Vision Research Foundation
Classification: Pathogenic for Usher syndrome. Last evaluated: 2022-12-31. Review status: criteria provided, single submitter. Criteria: ACMG Guidelines, 2015. Collection method: research. Allele origin: unknown. Affected: yes. Observed: 2 variant alleles, 1 heterozygote, 1 compound heterozygote.

GeneDx
Classification: Likely pathogenic. Last evaluated: 2019-01-03. Review status: criteria provided, single submitter. Criteria: GeneDx Variant Classification (06012015). Collection method: clinical testing. Allele origin: germline. Affected: yes.
Comment: The c.11473delC variant in the USH2A gene has been reported previously in the homozygous state in affected individuals from a consanguineous Pakistani family with early onset retinal dystrophy (Maranhao et al., 2015). The c.11473delC variant causes a frameshift starting with codon Histidine 3825, changes this amino acid to an Isoleucine residue, and creates a premature Stop codon at position 10 of the new reading frame, denoted p.His3825IlefsX10. This variant is predicted to cause loss of normal protein function either through protein truncation or nonsense-mediated mRNA decay. The c.11473delC variant is observed in 4/30782 (0.013%) alleles from individuals of South Asian background in large population cohorts (Lek et al., 2016). We interpret c.11473delC as a likely pathogenic variant.

Neuberg Centre For Genomic Medicine, NCGM
Classification: Likely pathogenic for Usher syndrome type 2A. Review status: criteria provided, single submitter. Criteria: ACMG Guidelines, 2015. Collection method: clinical testing. Allele origin: germline. Inheritance: Autosomal recessive inheritance. Affected: yes.
Comment: The frame shift (c.11473del) variant has been reported previously in homozygous state in patients affected with Usher syndrome, type 2A (Maranhao et al., 2015). The p.His3825IlefsTer10 variant is novel (not in any individuals) in 1000 Genomes and has allele frequency of 0.0008% in gnomAD database. This variant has been reported to the ClinVar database as Pathogenic/Likely Pathogenic. This variant is predicted to cause loss of normal protein function through protein truncation. Loss of function variants have been previously reported to be disease causing. This variant causes a frameshift starting with codon Histidine 3825, changes this amino acid to Isoleucine residue, and creates a premature Stop codon at position 10 of the new reading frame, denoted p.His3825IlefsTer10. For these reasons, this variant has been classified as Likely Pathogenic. In the absence of another reportable variant, the molecular diagnosis is not confirmed.

Literature cited by the submitters: PubMed 10729113 (cited by Labcorp Genetics (formerly Invitae), Labcorp); PubMed 10909849 (cited by Labcorp Genetics (formerly Invitae), Labcorp); PubMed 20507924 (cited by Labcorp Genetics (formerly Invitae), Labcorp); PubMed 25649381 (cited by Labcorp Genetics (formerly Invitae), Labcorp); PubMed 26352687 (cited by Labcorp Genetics (formerly Invitae), Labcorp).